The following is an entry in ClinVar:

NM_001458.5(FLNC):c.5205T>G (p.Cys1735Trp)

Gene: FLNC (filamin C; plus strand). Cytogenetic location: 7q32.1.
Variant type: single nucleotide variant.
Coding change: c.5205T>G on transcript NM_001458.5 (MANE Select); coding-DNA position 5205, T replaced by G.
Protein change: p.Cys1735Trp; replaces cysteine 1735 with tryptophan.
Molecular consequence: missense variant. On other transcripts: intron variant (1).
Genome position (GRCh38, 1-based): chr7:128,849,981, T>G. VCF-style: chr7-128849981-T-G. GRCh37 (hg19) VCF-style: chr7-128490035-T-G.
Other names: c.5199+403T>G (NM_001127487.2); short protein forms C1735W.
Identifiers: ClinVar variation 1957925 (VCV001957925.7), dbSNP rs781331939, ClinGen allele CA4475608.
Genomic context (GRCh38, chr7:128,849,981, plus strand): 5'-GCCCCTAGGCCTGTGAGGCTGCCACACCCTGTGCCCCCGTGCCTTGCCTCCCCAGGCGTG[T>G]GACCCCCTGCCGCACGAGGAGGAGCCCTCTGAAGTGCCACAGCTGCGCCAGCCCTACGCT-3'
Protein context (NP_001449.3, residues 1725-1745): IPNSPFHVLA[Cys1735Trp]DPLPHEEEPS

ClinVar aggregate classification (germline): Uncertain significance. Review status: criteria provided, multiple submitters, no conflicts (2 of 4 stars). 3 submissions from 3 submitters: Uncertain significance (3). Last evaluated 2026-07-06.

Conditions:
Distal myopathy with posterior leg and anterior hand involvement. Also called: WILLIAMS DISTAL MYOPATHY. Identifiers: Orphanet 63273, MedGen C3279722, MONDO:0013550, OMIM 614065.
Hypertrophic cardiomyopathy 26. Also called: Cardiomyopathy, familial hypertrophic, 26. Identifiers: Orphanet 75249, MedGen C4310749, MONDO:0014883, OMIM 617047.
Myofibrillar myopathy 5. Also called: Filaminopathy (type); FILAMINOPATHY, AUTOSOMAL DOMINANT. Identifiers: Orphanet 171445, MedGen C1836050, MONDO:0012289, OMIM 609524.
Cardiovascular phenotype. Identifiers: MedGen CN230736.

Allele frequency attached by ClinVar (database versions not stated): TOPMed below 0.00001; ExAC 0.00006; gnomAD 0.00001.
gnomAD v4.1: 8 of 1,587,830 alleles (0.0005%); highest among the groups gnomAD compares: Non-Finnish European, 0.0006%; no homozygotes.

Submissions (3):

Ambry Genetics
Classification: Uncertain significance for Cardiovascular phenotype. Last evaluated: 2026-07-06. Review status: criteria provided, single submitter. Criteria: Ambry Variant Classification Scheme 2023. Collection method: clinical testing. Allele origin: germline.
Comment: The p.C1735W variant (also known as c.5205T>G), located in coding exon 31 of the FLNC gene, results from a T to G substitution at nucleotide position 5205. The cysteine at codon 1735 is replaced by tryptophan, an amino acid with highly dissimilar properties. This amino acid position is conserved. In addition, the in silico prediction for this alteration is inconclusive. Based on the available evidence, the clinical significance of this variant remains unclear.

Labcorp Genetics (formerly Invitae), Labcorp
Classification: Uncertain significance for Distal myopathy with posterior leg and anterior hand involvement; Myofibrillar myopathy 5; Hypertrophic cardiomyopathy 26. Last evaluated: 2022-01-05. Review status: criteria provided, single submitter. Criteria: Invitae Variant Classification Sherloc (09022015). Collection method: clinical testing. Allele origin: germline.
Comment: In summary, the available evidence is currently insufficient to determine the role of this variant in disease. Therefore, it has been classified as a Variant of Uncertain Significance. Algorithms developed to predict the effect of missense changes on protein structure and function are either unavailable or do not agree on the potential impact of this missense change (SIFT: "Deleterious"; PolyPhen-2: "Benign"; Align-GVGD: "Class C0"). This variant has not been reported in the literature in individuals affected with FLNC-related conditions. The frequency data for this variant in the population databases is considered unreliable, as metrics indicate poor data quality at this position in the gnomAD database. This sequence change replaces cysteine, which is neutral and slightly polar, with tryptophan, which is neutral and slightly polar, at codon 1735 of the FLNC protein (p.Cys1735Trp).

Blueprint Genetics
Classification: Uncertain significance. Last evaluated: 2018-06-16. Review status: criteria provided, single submitter. Criteria: ACMG Guidelines, 2015. Collection method: clinical testing. Allele origin: germline.